The following is an entry in ClinVar:

NM_003579.4(RAD54L):c.440C>G (p.Pro147Arg)

Gene: RAD54L (RAD54 like; plus strand). Cytogenetic location: 1p34.1.
Variant type: single nucleotide variant.
Coding change: c.440C>G on transcript NM_003579.4 (MANE Select); coding-DNA position 440, C replaced by G.
Protein change: p.Pro147Arg; replaces proline 147 with arginine.
Molecular consequence: missense variant. On other transcripts: 5 prime UTR variant (1).
Genome position (GRCh38, 1-based): chr1:46,260,574, C>G. VCF-style: chr1-46260574-C-G. GRCh37 (hg19) VCF-style: chr1-46726246-C-G.
Other names: c.440C>G, p.Pro147Arg (NM_001142548.2); c.-101C>G (NM_001370766.1); short protein forms P147R.
Identifiers: ClinVar variation 2465494 (VCV002465494.2), dbSNP rs752474512, ClinGen allele CA834255.

ClinVar aggregate classification (germline): Uncertain significance (1 of 4 stars; one submission).

Allele frequency attached by ClinVar (database versions not stated): gnomAD 0.00001; TOPMed 0.00002.
gnomAD v4.1: 42 of 1,613,990 alleles (0.0026%); highest among the groups gnomAD compares: Non-Finnish European, 0.0034%; 1 homozygote.

Submission:

Ambry Genetics
Classification: Uncertain significance. Last evaluated: 2022-12-09. Review status: criteria provided, single submitter. Criteria: Ambry Variant Classification Scheme 2023. Collection method: clinical testing. Allele origin: germline.
Comment: The p.P147R variant (also known as c.440C>G), located in coding exon 6 of the RAD54L gene, results from a C to G substitution at nucleotide position 440. The proline at codon 147 is replaced by arginine, an amino acid with dissimilar properties. This amino acid position is conserved. In addition, this alteration is predicted to be deleterious by in silico analysis. Since supporting evidence is limited at this time, the clinical significance of this alteration remains unclear.